The following is an entry in ClinVar:

NM_000203.5(IDUA):c.820G>T (p.Glu274Ter)

Gene: IDUA (alpha-L-iduronidase; plus strand). Cytogenetic location: 4p16.3.
Variant type: single nucleotide variant.
Coding change: c.820G>T on transcript NM_000203.5 (MANE Select); coding-DNA position 820, G replaced by T.
Protein change: p.Glu274Ter; replaces glutamic acid 274 with a stop codon.
Molecular consequence: nonsense. On other transcripts: non-coding transcript variant (1).
Genome position (GRCh38, 1-based): chr4:1,002,009, G>T. VCF-style: chr4-1002009-G-T. GRCh37 (hg19) VCF-style: chr4-995797-G-T.
Other names: NM_000203.5(IDUA):c.820G>T; p.Glu274Ter; c.424G>T, p.Glu142Ter (NM_001363576.1); short protein forms E274*, E142*.
Identifiers: ClinVar variation 553227 (VCV000553227.10), dbSNP rs1553917192, ClinGen allele CA355962341.

ClinVar aggregate classification (germline): Pathogenic. Review status: reviewed by expert panel (3 of 4 stars). 3 submissions from 3 submitters: Pathogenic (1). 2 of the submissions do not count toward it. Last evaluated 2025-12-15.

Conditions:
Mucopolysaccharidosis type 1. Also called: Mucopolysaccharidosis Type I; IDUA deficiency; MPS I. Identifiers: Orphanet 579, MedGen C0023786, MONDO:0001586.
Hurler syndrome. Also called: Gargoylism, Hurler Syndrome; MUCOPOLYSACCHARIDOSIS TYPE IH; Severe MPS I (Hurler Syndrome). Identifiers: Orphanet 93473, MedGen C0086795, MONDO:0011758, OMIM 607014.

Submissions (3):

ClinGen Lysosomal Storage Disorder Variant Curation Expert Panel
Classification: Pathogenic for Mucopolysaccharidosis type 1. Last evaluated: 2025-12-15. Review status: reviewed by expert panel. Criteria: ClinGen LSD ACMG Specifications IDUA V1.1.0. Collection method: curation. Allele origin: germline. Inheritance: Autosomal recessive inheritance.
Comment: The NM_000203.5:c.820G>T (p.Glu274Ter) variant in IDUA is a nonsense variant predicted to cause a premature stop codon in biologically-relevant exon 7 out of 14, leading to nonsense mediated decay in a gene in which loss-of function is an established disease mechanism (PVS1). At least 1 patient with this variant had documented IDUA deficiency within the affected range and bone marrow transplant resulted in a significant reduction in urine GAGs (PP4; PMID: 8401515). This individual was compound heterozygous for the variant and another variant in IDUA that has been classified as pathogenic by the ClinGen LD VCEP, c.208C>T (p.Gln70Ter), and confirmed in trans by parental testing (PM3; PMID: 8401515). The highest population minor allele frequency in gnomAD v4.1.0. is 0.000 (0/74926 alleles) in the African/African American population, which is lower than the ClinGen Lysosomal Diseases VCEP’s threshold for PM2_Supporting (<0.00025), meeting this criterion (PM2_Supporting). There is a ClinVar entry for this variant (Variation ID: 553227). In summary, this variant meets the criteria to be classified as pathogenic for MPS I based on the IDUA-specific ACMG/AMP criteria applied, as specified by the ClinGen Lysosomal Diseases Variant Curation Expert panel (Specifications Version 1.1.0): PVS1, PP4, PM3, PM2_Supporting. (Classification approved by the ClinGen Lysosomal Diseases Variant Curation Expert Panel on December 15, 2025)

Labcorp Genetics (formerly Invitae), Labcorp
Classification: Pathogenic for Mucopolysaccharidosis type 1. Last evaluated: 2022-12-20. Review status: criteria provided, single submitter. Criteria: Invitae Variant Classification Sherloc (09022015). Collection method: clinical testing. Allele origin: germline. Not counted in ClinVar's aggregate classification.
Comment: This premature translational stop signal has been observed in individual(s) with IDUA-related conditions (PMID: 8019563). This variant is not present in population databases (gnomAD no frequency). This sequence change creates a premature translational stop signal (p.Glu274*) in the IDUA gene. It is expected to result in an absent or disrupted protein product. Loss-of-function variants in IDUA are known to be pathogenic (PMID: 11735025, 21480867). ClinVar contains an entry for this variant (Variation ID: 553227). For these reasons, this variant has been classified as Pathogenic. Algorithms developed to predict the effect of sequence changes on RNA splicing suggest that this variant may create or strengthen a splice site.

Counsyl
Classification: Likely pathogenic for Hurler syndrome. Last evaluated: 2017-08-08. Review status: no assertion criteria provided. Collection method: clinical testing. Allele origin: unknown. Not counted in ClinVar's aggregate classification.

Literature cited by the submitters: PubMed 8019563 (cited by Labcorp Genetics (formerly Invitae), Labcorp and Counsyl); PubMed 11735025 (cited by Labcorp Genetics (formerly Invitae), Labcorp); PubMed 21480867 (cited by Labcorp Genetics (formerly Invitae), Labcorp); PubMed 8401515 (cited by Counsyl).